The following is an entry in ClinVar:

ClinVar aggregate classification (germline): Uncertain significance (1 of 4 stars; one submission).

Conditions:
Rafiq syndrome (RAFQS). Identifiers: Orphanet 88616, MedGen C3280127, MONDO:0013624, OMIM 614202.

Submission:

Labcorp Genetics (formerly Invitae), Labcorp
Classification: Uncertain significance for Rafiq syndrome. Last evaluated: 2026-01-05. Review status: criteria provided, single submitter. Criteria: Invitae Variant Classification Sherloc (09022015). Collection method: clinical testing. Allele origin: germline.
Comment: This sequence change replaces arginine, which is basic and polar, with serine, which is neutral and polar, at codon 188 of the MAN1B1 protein (p.Arg188Ser). This variant is not present in population databases (gnomAD no frequency). This variant has not been reported in the literature in individuals affected with MAN1B1-related conditions. An algorithm developed to predict the effect of missense changes on protein structure and function (PolyPhen-2) suggests that this variant is likely to be tolerated. In summary, the available evidence is currently insufficient to determine the role of this variant in disease. Therefore, it has been classified as a Variant of Uncertain Significance.

NM_016219.5(MAN1B1):c.564G>T (p.Arg188Ser)

Gene: MAN1B1 (mannosidase alpha class 1B member 1; plus strand). Cytogenetic location: 9q34.3.
Variant type: single nucleotide variant.
Coding change: c.564G>T on transcript NM_016219.5 (MANE Select); coding-DNA position 564, G replaced by T.
Protein change: p.Arg188Ser; replaces arginine 188 with serine.
Molecular consequence: missense variant. On other transcripts: non-coding transcript variant (2).
Genome position (GRCh38, 1-based): chr9:137,096,335, G>T. VCF-style: chr9-137096335-G-T. GRCh37 (hg19) VCF-style: chr9-139990787-G-T.
Other names: short protein forms R188S.
Identifiers: ClinVar variation 4737993 (VCV004737993.1).
Genomic context (GRCh38, chr9:137,096,335, plus strand): 5'-GCAGATTAGACCCCCAAGCCAAGACCTGAAGGATGGGACCCAGGAGGAGGCCACAAAAAG[G>T]CAAGAAGCCCCTGTGGATCCCCGCCCGGAAGGAGATCCGCAGAGGACAGTCATCAGGTAC-3'
Protein context (NP_057303.2, residues 178-198): KDGTQEEATK[Arg188Ser]QEAPVDPRPE